The following is an entry in ClinVar:

ClinVar aggregate classification (germline): Uncertain significance (1 of 4 stars; one submission).

Conditions:
Pulmonary fibrosis and/or bone marrow failure, Telomere-related, 4. Also called: PULMONARY FIBROSIS AND/OR BONE MARROW FAILURE SYNDROME, TELOMERE-RELATED, 4. Identifiers: Orphanet 2032, MedGen C4225347, MONDO:0014612, OMIM 616371.
Dyskeratosis congenita, autosomal recessive 6 (DKCB6). Identifiers: MedGen C4225356, MONDO:0014600, OMIM 616353.

Submission:

Labcorp Genetics (formerly Invitae), Labcorp
Classification: Uncertain significance for Dyskeratosis congenita, autosomal recessive 6; Pulmonary fibrosis and/or bone marrow failure, Telomere-related, 4. Last evaluated: 2025-08-29. Review status: criteria provided, single submitter. Criteria: Invitae Variant Classification Sherloc (09022015). Collection method: clinical testing. Allele origin: germline.
Comment: This sequence change replaces glutamic acid, which is acidic and polar, with lysine, which is basic and polar, at codon 585 of the PARN protein (p.Glu585Lys). This variant is not present in population databases (gnomAD no frequency). This variant has not been reported in the literature in individuals affected with PARN-related conditions. An algorithm developed to predict the effect of missense changes on protein structure and function outputs the following: PolyPhen-2: "Benign". The lysine amino acid residue is found in multiple mammalian species, which suggests that this missense change does not adversely affect protein function. In summary, the available evidence is currently insufficient to determine the role of this variant in disease. Therefore, it has been classified as a Variant of Uncertain Significance.

NM_002582.4(PARN):c.1753G>A (p.Glu585Lys)

Gene: PARN (poly(A)-specific ribonuclease; minus strand). Cytogenetic location: 16p13.12.
Variant type: single nucleotide variant.
Coding change: c.1753G>A on transcript NM_002582.4 (MANE Select); coding-DNA position 1753, G replaced by A.
Protein change: p.Glu585Lys; replaces glutamic acid 585 with lysine.
Molecular consequence: missense variant.
Genome position (GRCh38, 1-based): chr16:14,446,999, C>T on the plus strand (G>A on the coding strand, the complement: PARN is on the minus strand). VCF-style: chr16-14446999-C-T. GRCh37 (hg19) VCF-style: chr16-14540856-C-T.
Other names: c.1570G>A, p.Glu524Lys (NM_001134477.3); c.1615G>A, p.Glu539Lys (NM_001242992.2); short protein forms E539K, E585K, E524K.
Identifiers: ClinVar variation 4788717 (VCV004788717.1).